The following is an entry in ClinVar:

ClinVar aggregate classification (germline): Uncertain significance. Review status: criteria provided, multiple submitters, no conflicts (2 of 4 stars). 2 submissions from 2 submitters: Uncertain significance (2). Last evaluated 2025-11-25.

Conditions:
Hypertrophic cardiomyopathy. Also called: HYPERTROPHIC MYOCARDIOPATHY. Identifiers: Orphanet 217569, MedGen C0007194, MeSH D002312, MONDO:0005045, HP:0001639.
Cardiovascular phenotype. Identifiers: MedGen CN230736.

gnomAD v4.1: 1 of 1,560,536 alleles (0.000064%); no homozygotes.

Submissions (2):

Labcorp Genetics (formerly Invitae), Labcorp
Classification: Uncertain significance for Hypertrophic cardiomyopathy. Last evaluated: 2025-11-25. Review status: criteria provided, single submitter. Criteria: Invitae Variant Classification Sherloc (09022015). Collection method: clinical testing. Allele origin: germline.
Comment: This sequence change replaces valine, which is neutral and non-polar, with leucine, which is neutral and non-polar, at codon 168 of the MYBPC3 protein (p.Val168Leu). This variant is not present in population databases (gnomAD no frequency). This variant has not been reported in the literature in individuals affected with MYBPC3-related conditions. ClinVar contains an entry for this variant (Variation ID: 1388099). An algorithm developed to predict the effect of missense changes on protein structure and function (PolyPhen-2) suggests that this variant is likely to be tolerated. In summary, the available evidence is currently insufficient to determine the role of this variant in disease. Therefore, it has been classified as a Variant of Uncertain Significance.

Ambry Genetics
Classification: Uncertain significance for Cardiovascular phenotype. Last evaluated: 2025-06-10. Review status: criteria provided, single submitter. Criteria: Ambry Variant Classification Scheme 2023. Collection method: clinical testing. Allele origin: germline.
Comment: The p.V168L variant (also known as c.502G>C), located in coding exon 4 of the MYBPC3 gene, results from a G to C substitution at nucleotide position 502. The valine at codon 168 is replaced by leucine, an amino acid with highly similar properties. This amino acid position is conserved. In addition, this alteration is predicted to be tolerated by in silico analysis. Based on the available evidence, the clinical significance of this variant remains unclear.

NM_000256.3(MYBPC3):c.502G>C (p.Val168Leu)

Gene: MYBPC3 (myosin binding protein C3; minus strand). Cytogenetic location: 11p11.2.
Variant type: single nucleotide variant.
Coding change: c.502G>C on transcript NM_000256.3 (MANE Select); coding-DNA position 502, G replaced by C.
Protein change: p.Val168Leu; replaces valine 168 with leucine.
Molecular consequence: missense variant.
Genome position (GRCh38, 1-based): chr11:47,350,017, C>G on the plus strand (G>C on the coding strand, the complement: MYBPC3 is on the minus strand). VCF-style: chr11-47350017-C-G. GRCh37 (hg19) VCF-style: chr11-47371568-C-G.
Other names: short protein forms V168L.
Identifiers: ClinVar variation 1388099 (VCV001388099.7), dbSNP rs569740494, ClinGen allele CA380338347.